The following is an entry in ClinVar:

NM_005619.5(RTN2):c.35-3C>G

Genes: OPA3-RTN2 (OPA3-RTN2 readthrough; minus strand), RTN2 (reticulon 2; minus strand). Cytogenetic location: 19q13.32.
Variant type: single nucleotide variant.
Coding change: c.35-3C>G on transcript NM_005619.5 (MANE Select); 3 bases into the intron before coding-DNA position 35, C replaced by G.
Molecular consequence: intron variant.
Genome position (GRCh38, 1-based): chr19:45,495,142, G>C on the plus strand (C>G on the coding strand, the complement: RTN2 is on the minus strand). VCF-style: chr19-45495142-G-C. GRCh37 (hg19) VCF-style: chr19-45998400-G-C.
Other names: c.35-3C>G (NM_206900.3).
Identifiers: ClinVar variation 5009501 (VCV005009501.1).

ClinVar aggregate classification (germline): Uncertain significance (1 of 4 stars; one submission).

Submission:

GeneDx
Classification: Uncertain significance. Last evaluated: 2026-03-20. Review status: criteria provided, single submitter. Criteria: GeneDx Variant Classification Process June 2021. Collection method: clinical testing. Allele origin: germline.
Comment: Not observed at significant frequency in large population cohorts (gnomAD); In silico analysis supports a deleterious effect on splicing; Has not been previously published as pathogenic or benign to our knowledge